The following is an entry in ClinVar:

ClinVar aggregate classification (germline): Uncertain significance. Review status: criteria provided, multiple submitters, no conflicts (2 of 4 stars). 2 submissions from 2 submitters: Uncertain significance (2). Last evaluated 2025-12-09.

Conditions:
CACNA1F-related disorder. Also called: CACNA1F-related condition.

Allele frequency attached by ClinVar (database versions not stated): gnomAD exomes 0.00001 and 0.00002; TOPMed 0.00002; ExAC 0.00003.
gnomAD v4.1: 22 of 1,209,979 alleles (0.0018%); highest among the groups gnomAD compares: Admixed American, 0.0043%; no homozygotes.

Submissions (2):

PreventionGenetics, part of Exact Sciences
Classification: Uncertain significance for CACNA1F-related condition. Last evaluated: 2025-12-09. Review status: criteria provided, single submitter. Criteria: ACMG Guidelines, 2015. Collection method: clinical testing. Allele origin: germline.
Comment: The CACNA1F c.5083C>G variant is predicted to result in the amino acid substitution p.Pro1695Ala. To our knowledge, this variant has not been reported in the literature. This variant is reported in 0.0025% of alleles in individuals of European (Non-Finnish) descent in gnomAD. At this time, the clinical significance of this variant is uncertain due to the absence of conclusive functional and genetic evidence.

Labcorp Genetics (formerly Invitae), Labcorp
Classification: Uncertain significance. Last evaluated: 2024-01-22. Review status: criteria provided, single submitter. Criteria: Invitae Variant Classification Sherloc (09022015). Collection method: clinical testing. Allele origin: germline.
Comment: This sequence change replaces proline, which is neutral and non-polar, with alanine, which is neutral and non-polar, at codon 1695 of the CACNA1F protein (p.Pro1695Ala). This variant is present in population databases (rs782492956, gnomAD 0.003%). This variant has not been reported in the literature in individuals affected with CACNA1F-related conditions. ClinVar contains an entry for this variant (Variation ID: 1463802). An algorithm developed to predict the effect of missense changes on protein structure and function (PolyPhen-2) suggests that this variant is likely to be tolerated. In summary, the available evidence is currently insufficient to determine the role of this variant in disease. Therefore, it has been classified as a Variant of Uncertain Significance.

NM_001256789.3(CACNA1F):c.5050C>G (p.Pro1684Ala)

Gene: CACNA1F (calcium voltage-gated channel subunit alpha1 F; minus strand). Cytogenetic location: Xp11.23.
Variant type: single nucleotide variant.
Coding change: c.5050C>G on transcript NM_001256789.3 (MANE Select); coding-DNA position 5050, C replaced by G.
Protein change: p.Pro1684Ala; replaces proline 1684 with alanine.
Molecular consequence: missense variant.
Genome position (GRCh38, 1-based): chrX:49,208,588, G>C on the plus strand (C>G on the coding strand, the complement: CACNA1F is on the minus strand). VCF-style: chrX-49208588-G-C. GRCh37 (hg19) VCF-style: chrX-49065048-G-C.
Other names: c.5083C>G (NM_005183.3); c.4888C>G, p.Pro1630Ala (NM_001256790.3); c.5083C>G, p.Pro1695Ala (NM_005183.4); short protein forms P1630A, P1684A, P1695A.
Identifiers: ClinVar variation 1463802 (VCV001463802.7), dbSNP rs782492956, ClinGen allele CA10410049.